The following is an entry in ClinVar:

ClinVar aggregate classification (germline): Uncertain significance (1 of 4 stars; one submission).

Submission:

Ambry Genetics
Classification: Uncertain significance. Last evaluated: 2024-03-09. Review status: criteria provided, single submitter. Criteria: Ambry Variant Classification Scheme 2023. Collection method: clinical testing. Allele origin: germline.
Comment: The p.F188L variant (also known as c.564T>G), located in coding exon 4 of the BUB3 gene, results from a T to G substitution at nucleotide position 564. The phenylalanine at codon 188 is replaced by leucine, an amino acid with highly similar properties. This amino acid position is conserved. In addition, the in silico prediction for this alteration is inconclusive. Based on the available evidence, the clinical significance of this alteration remains unclear.

NM_004725.4(BUB3):c.564T>G (p.Phe188Leu)

Gene: BUB3 (BUB3 mitotic checkpoint protein; plus strand). Cytogenetic location: 10q26.13.
Variant type: single nucleotide variant.
Coding change: c.564T>G on transcript NM_004725.4 (MANE Select); coding-DNA position 564, T replaced by G.
Protein change: p.Phe188Leu; replaces phenylalanine 188 with leucine.
Molecular consequence: missense variant.
Genome position (GRCh38, 1-based): chr10:123,160,553, T>G. VCF-style: chr10-123160553-T-G. GRCh37 (hg19) VCF-style: chr10-124920069-T-G.
Other names: c.564T>G, p.Phe188Leu (NM_001007793.3); short protein forms F188L.
Identifiers: ClinVar variation 3224510 (VCV003224510.1), dbSNP rs2493763408, ClinGen allele CA378626371.
Genomic context (GRCh38, chr10:123,160,553, plus strand): 5'-TTACGTGCAGCAGCGCAGGGAGTCCAGCCTGAAATACCAGACTCGCTGCATACGAGCGTT[T>G]CCAAACAAGCAGGTATTGAACTATACCTCCTCTTCTTTCTGGAATTTGAAAATAATATGA-3'
Protein context (NP_004716.1, residues 178-198): LKYQTRCIRA[Phe188Leu]PNKQGYVLSS